The following is an entry in ClinVar:

ClinVar aggregate classification (germline): Likely benign. Review status: criteria provided, multiple submitters, no conflicts (2 of 4 stars). 6 submissions from 6 submitters: Likely benign (6). Last evaluated 2025-11-17.

Conditions:
Familial thoracic aortic aneurysm and aortic dissection (TAAD). Also called: Thoracic aortic aneurysms and dissections. Identifiers: Orphanet 91387, MedGen C4707243, MONDO:0019625.
Ehlers-Danlos syndrome, type 4 (EDSVASC). Also called: Ehlers-Danlos syndrome vascular type; Ehlers Danlos syndrome, ecchymotic type; Ehlers Danlos syndrome, arterial type; Ehlers Danlos syndrome, Sack-Barabas type; Ehlers-Danlos Syndrome Type IV. Identifiers: Orphanet 286, MedGen C0268338, MONDO:0017314, OMIM 130050.

Allele frequency attached by ClinVar (database versions not stated): TOPMed 0.00002; ExAC 0.00003; gnomAD exomes 0.00004; gnomAD 0.00005.

Submissions (6):

Labcorp Genetics (formerly Invitae), Labcorp
Classification: Likely benign for Ehlers-Danlos syndrome, type 4. Last evaluated: 2025-11-17. Review status: criteria provided, single submitter. Criteria: Invitae Variant Classification Sherloc (09022015). Collection method: clinical testing. Allele origin: germline.

Women's Health and Genetics/Laboratory Corporation of America, LabCorp
Classification: Likely benign. Last evaluated: 2025-04-14. Review status: criteria provided, single submitter. Criteria: LabCorp Variant Classification Summary - May 2015. Collection method: clinical testing. Allele origin: germline.

All of Us Research Program, National Institutes of Health
Classification: Likely benign for Ehlers-Danlos syndrome, type 4. Last evaluated: 2023-12-14. Review status: criteria provided, single submitter. Criteria: ACMG Guidelines, 2015. Collection method: clinical testing. Allele origin: germline. Inheritance: Autosomal dominant inheritance. Observed: 8 variant alleles, 8 heterozygotes.
Comment: This study involves interpretation of variants in research participants for the purpose of population health screening. Participant phenotype was not available at the time of variant classification. Additional details can be found in publication PMID: 35346344, PMCID: PMC8962531

Ambry Genetics
Classification: Likely benign for Familial thoracic aortic aneurysm and aortic dissection. Last evaluated: 2023-05-07. Review status: criteria provided, single submitter. Criteria: Ambry Variant Classification Scheme 2023. Collection method: clinical testing. Allele origin: germline.

Blueprint Genetics
Classification: Likely benign. Last evaluated: 2021-03-17. Review status: criteria provided, single submitter. Criteria: ACMG Guidelines, 2015. Collection method: clinical testing. Allele origin: germline.

Color Diagnostics, LLC DBA Color Health
Classification: Likely benign for Familial thoracic aortic aneurysm and aortic dissection. Last evaluated: 2021-02-16. Review status: criteria provided, single submitter. Criteria: ACMG Guidelines, 2015. Collection method: clinical testing. Allele origin: germline.

NM_000090.4(COL3A1):c.2241C>T (p.Gly747=)

Gene: COL3A1 (collagen type III alpha 1 chain; plus strand). Cytogenetic location: 2q32.2.
Variant type: single nucleotide variant.
Coding change: c.2241C>T on transcript NM_000090.4 (MANE Select); coding-DNA position 2241, C replaced by T.
Protein change: p.Gly747=; no amino-acid change (glycine 747 retained).
Molecular consequence: synonymous variant.
Genome position (GRCh38, 1-based): chr2:188,999,853, C>T. VCF-style: chr2-188999853-C-T. GRCh37 (hg19) VCF-style: chr2-189864579-C-T.
Identifiers: ClinVar variation 459773 (VCV000459773.24), dbSNP rs745440847, ClinGen allele CA075129.